The following is an entry in ClinVar:

NM_002292.4(LAMB2):c.4459G>T (p.Ala1487Ser)

Gene: LAMB2 (laminin subunit beta 2; minus strand). Cytogenetic location: 3p21.31.
Variant type: single nucleotide variant.
Coding change: c.4459G>T on transcript NM_002292.4 (MANE Select); coding-DNA position 4459, G replaced by T.
Protein change: p.Ala1487Ser; replaces alanine 1487 with serine.
Molecular consequence: missense variant.
Genome position (GRCh38, 1-based): chr3:49,122,818, C>A on the plus strand (G>T on the coding strand, the complement: LAMB2 is on the minus strand). VCF-style: chr3-49122818-C-A. GRCh37 (hg19) VCF-style: chr3-49160251-C-A.
Other names: short protein forms A1487S.
Identifiers: ClinVar variation 1004294 (VCV001004294.6), dbSNP rs917006966, ClinGen allele CA74476336.

ClinVar aggregate classification (germline): Uncertain significance. Review status: criteria provided, multiple submitters, no conflicts (2 of 4 stars). 2 submissions from 2 submitters: Uncertain significance (2). Last evaluated 2024-05-30.

Conditions:
LAMB2-related infantile-onset nephrotic syndrome. Also called: NEPHROTIC SYNDROME, TYPE 5, WITHOUT OCULAR ABNORMALITIES; NEPHROTIC SYNDROME, TYPE 5, WITH OCULAR ABNORMALITIES; Nephrotic Syndrome, type 5. Identifiers: Orphanet 306507, MedGen C3280113, MONDO:0013621, OMIM 614199.
Pierson syndrome. Also called: MICROCORIA-CONGENITAL NEPHROTIC SYNDROME. Identifiers: Orphanet 2670, MedGen C1836876, MONDO:0012184, OMIM 609049.

Allele frequency attached by ClinVar (database versions not stated): gnomAD exomes below 0.00001 and 0.00002; gnomAD 0.00001; TOPMed 0.00001.
gnomAD v4.1: 33 of 1,613,410 alleles (0.002%); highest among the groups gnomAD compares: Non-Finnish European, 0.0024%; no homozygotes.

Submissions (2):

Fulgent Genetics
Classification: Uncertain significance for Pierson syndrome; LAMB2-related infantile-onset nephrotic syndrome. Last evaluated: 2024-05-30. Review status: criteria provided, single submitter. Criteria: ACMG Guidelines, 2015. Collection method: clinical testing. Allele origin: germline.

Labcorp Genetics (formerly Invitae), Labcorp
Classification: Uncertain significance for LAMB2-related infantile-onset nephrotic syndrome; Pierson syndrome. Last evaluated: 2020-01-25. Review status: criteria provided, single submitter. Criteria: Invitae Variant Classification Sherloc (09022015). Collection method: clinical testing. Allele origin: germline.
Comment: In summary, the available evidence is currently insufficient to determine the role of this variant in disease. Therefore, it has been classified as a Variant of Uncertain Significance. Algorithms developed to predict the effect of missense changes on protein structure and function (SIFT, PolyPhen-2, Align-GVGD) all suggest that this variant is likely to be disruptive, but these predictions have not been confirmed by published functional studies and their clinical significance is uncertain. This variant has not been reported in the literature in individuals with LAMB2-related conditions. This variant is not present in population databases (ExAC no frequency). This sequence change replaces alanine with serine at codon 1487 of the LAMB2 protein (p.Ala1487Ser). The alanine residue is highly conserved and there is a moderate physicochemical difference between alanine and serine.